The following is an entry in ClinVar:

NC_000009.11:g.(?_214864)_(465256_?)del

Genes: DOCK8-AS1 (DOCK8 antisense RNA 1; minus strand), DOCK8 (dedicator of cytokinesis 8; plus strand). Cytogenetic location: 9p24.3.
Variant type: Deletion.
Identifiers: ClinVar variation 4853023 (VCV004853023.1).

ClinVar aggregate classification (germline): Pathogenic (1 of 4 stars; one submission).

Conditions:
Combined immunodeficiency due to DOCK8 deficiency (HIES2). Also called: HIES autosomal recessive; Hyper-IgE recurrent infection syndrome, autosomal recessive; HYPER-IgE RECURRENT INFECTION SYNDROME 2, AUTOSOMAL RECESSIVE; HYPER-IgE SYNDROME 2, AUTOSOMAL RECESSIVE, WITH RECURRENT INFECTIONS; DOCK8 Deficiency. Identifiers: Orphanet 217390, MedGen C4722305, MONDO:0009478, OMIM 243700.

Submission:

Women's Health and Genetics/Laboratory Corporation of America, LabCorp
Classification: Pathogenic for Combined immunodeficiency due to DOCK8 deficiency. Last evaluated: 2026-05-18. Review status: criteria provided, single submitter. Criteria: LabCorp Variant Classification Summary - May 2015. Collection method: clinical testing. Allele origin: germline.
Comment: Variant summary: The variant involves the deletion of exons 1-48 in the DOCK8 gene. A presumed nomenclature of c.(?_-113)_(*1037_?)del has been designated for the purposes of this classification. This deletion includes the entire coding sequence of the gene. As the exact proximal and distal breakpoints are unknown, it may extend beyond the annotated region of the gene to include other flanking genes. Loss-of-function variants in this gene are known to be pathogenic. The variant was absent in 21694 control chromosomes. c.(?_-113)_(*1037_?)del has been observed in individual(s) affected with DOCK8-related conditions (e.g. Frede_2021). These data indicate that the variant is likely associated with disease. The following publication has been ascertained in the context of this evaluation (PMID: 34390440). ClinVar contains an entry for this variant (Variation ID: 1076364). Based on the evidence outlined above, the variant was classified as pathogenic.

Literature cited by the submitters: PubMed 34390440.